The following is an entry in ClinVar:

NM_177438.3(DICER1):c.4321G>T (p.Asp1441Tyr)

Gene: DICER1 (dicer 1, ribonuclease III; minus strand). Cytogenetic location: 14q32.13.
Variant type: single nucleotide variant.
Coding change: c.4321G>T on transcript NM_177438.3 (MANE Select); coding-DNA position 4321, G replaced by T.
Protein change: p.Asp1441Tyr; replaces aspartic acid 1441 with tyrosine.
Molecular consequence: missense variant. On other transcripts: non-coding transcript variant (6).
Genome position (GRCh38, 1-based): chr14:95,096,599, C>A on the plus strand (G>T on the coding strand, the complement: DICER1 is on the minus strand). VCF-style: chr14-95096599-C-A. GRCh37 (hg19) VCF-style: chr14-95562936-C-A.
Other names: c.4321G>T, p.Asp1441Tyr (NM_001195573.1, NM_001271282.3, NM_001291628.2 and 13 more transcripts); c.4039G>T, p.Asp1347Tyr (NM_001395686.1); c.3916G>T, p.Asp1306Tyr (NM_001395687.1, NM_001395688.1, NM_001395689.1 and 2 more transcripts); c.3754G>T, p.Asp1252Tyr (NM_001395691.1); c.2638G>T, p.Asp880Tyr (NM_001395697.1); short protein forms D1441Y, D880Y, D1252Y, D1306Y, D1347Y.
Identifiers: ClinVar variation 2451717 (VCV002451717.2), dbSNP rs752291344, ClinGen allele CA7330858.

ClinVar aggregate classification (germline): Uncertain significance (1 of 4 stars; one submission).

Conditions:
Hereditary cancer-predisposing syndrome. Also called: Neoplastic Syndromes, Hereditary; Tumor predisposition; Hereditary neoplastic syndrome; Hereditary Cancer Syndrome. Identifiers: Orphanet 140162, MedGen C0027672, MeSH D009386, MONDO:0015356.

Allele frequency attached by ClinVar (database versions not stated): gnomAD exomes below 0.00001; ExAC 0.00001.
gnomAD v4.1: 2 of 1,611,604 alleles (0.00012%); highest among the groups gnomAD compares: Non-Finnish European, 0.00017%; no homozygotes.

Submission:

Ambry Genetics
Classification: Uncertain significance for Hereditary cancer-predisposing syndrome. Last evaluated: 2023-01-27. Review status: criteria provided, single submitter. Criteria: Ambry Variant Classification Scheme 2023. Collection method: clinical testing. Allele origin: germline.
Comment: The p.D1441Y variant (also known as c.4321G>T), located in coding exon 22 of the DICER1 gene, results from a G to T substitution at nucleotide position 4321. The aspartic acid at codon 1441 is replaced by tyrosine, an amino acid with highly dissimilar properties. This amino acid position is conserved. In addition, this alteration is predicted to be deleterious by in silico analysis. Since supporting evidence is limited at this time, the clinical significance of this alteration remains unclear.